The following is an entry in ClinVar:

NM_002528.7(NTHL1):c.277G>A (p.Ala93Thr)

Gene: NTHL1 (nth like DNA glycosylase 1; minus strand). Cytogenetic location: 16p13.3.
Variant type: single nucleotide variant.
Coding change: c.277G>A on transcript NM_002528.7 (MANE Select); coding-DNA position 277, G replaced by A.
Protein change: p.Ala93Thr; replaces alanine 93 with threonine.
Molecular consequence: missense variant. On other transcripts: intron variant (1).
Genome position (GRCh38, 1-based): chr16:2,046,205, C>T on the plus strand (G>A on the coding strand, the complement: NTHL1 is on the minus strand). VCF-style: chr16-2046205-C-T. GRCh37 (hg19) VCF-style: chr16-2096206-C-T.
Other names: c.277G>A, p.Ala93Thr (NM_001318193.2); c.24+75G>A (NM_001318194.2); c.301G>A (NM_002528.5); short protein forms A93T.
Identifiers: ClinVar variation 1421685 (VCV001421685.5), dbSNP rs776024837, ClinGen allele CA7828330.

ClinVar aggregate classification (germline): Conflicting classifications of pathogenicity. Review status: criteria provided, conflicting classifications (1 of 4 stars). 2 submissions from 2 submitters: Uncertain significance (1); Likely benign (1). Last evaluated 2025-03-18.

Conditions:
Hereditary cancer-predisposing syndrome. Also called: Neoplastic Syndromes, Hereditary; Hereditary Cancer Syndrome; Hereditary neoplastic syndrome; Tumor predisposition. Identifiers: Orphanet 140162, MedGen C0027672, MeSH D009386, MONDO:0015356.

Allele frequency attached by ClinVar (database versions not stated): gnomAD exomes 0.00001; TOPMed 0.00001; ExAC 0.00002.

Submissions (2):

Labcorp Genetics (formerly Invitae), Labcorp
Classification: Uncertain significance. Last evaluated: 2025-03-18. Review status: criteria provided, single submitter. Criteria: Invitae Variant Classification Sherloc (09022015). Collection method: clinical testing. Allele origin: germline.
Comment: This sequence change replaces alanine, which is neutral and non-polar, with threonine, which is neutral and polar, at codon 101 of the NTHL1 protein (p.Ala101Thr). This variant is present in population databases (rs776024837, gnomAD 0.02%). This variant has not been reported in the literature in individuals affected with NTHL1-related conditions. ClinVar contains an entry for this variant (Variation ID: 1421685). An algorithm developed to predict the effect of missense changes on protein structure and function outputs the following: PolyPhen-2: "Benign". The threonine amino acid residue is found in multiple mammalian species, which suggests that this missense change does not adversely affect protein function. In summary, the available evidence is currently insufficient to determine the role of this variant in disease. Therefore, it has been classified as a Variant of Uncertain Significance.

Ambry Genetics
Classification: Likely benign for Hereditary cancer-predisposing syndrome. Last evaluated: 2023-09-18. Review status: criteria provided, single submitter. Criteria: Ambry Variant Classification Scheme 2023. Collection method: clinical testing. Allele origin: germline.